The following is an entry in ClinVar:

NM_173477.5(USH1G):c.22G>A (p.Ala8Thr)

Gene: USH1G (USH1 protein network component sans; minus strand). Cytogenetic location: 17q25.1.
Variant type: single nucleotide variant.
Coding change: c.22G>A on transcript NM_173477.5 (MANE Select); coding-DNA position 22, G replaced by A.
Protein change: p.Ala8Thr; replaces alanine 8 with threonine.
Molecular consequence: missense variant. On other transcripts: 5 prime UTR variant (1).
Genome position (GRCh38, 1-based): chr17:74,923,052, C>T on the plus strand (G>A on the coding strand, the complement: USH1G is on the minus strand). VCF-style: chr17-74923052-C-T. GRCh37 (hg19) VCF-style: chr17-72919147-C-T.
Other names: c.-235G>A (NM_001282489.3); short protein forms A8T.
Identifiers: ClinVar variation 2009437 (VCV002009437.4), dbSNP rs779198694, ClinGen allele CA400968626.

ClinVar aggregate classification (germline): Uncertain significance (1 of 4 stars; one submission).

Allele frequency attached by ClinVar (database versions not stated): TOPMed below 0.00001.
gnomAD v4.1: 3 of 1,586,500 alleles (0.00019%); highest among the groups gnomAD compares: Non-Finnish European, 0.00026%; no homozygotes.

Submission:

Labcorp Genetics (formerly Invitae), Labcorp
Classification: Uncertain significance. Last evaluated: 2022-06-22. Review status: criteria provided, single submitter. Criteria: Invitae Variant Classification Sherloc (09022015). Collection method: clinical testing. Allele origin: germline.
Comment: In summary, the available evidence is currently insufficient to determine the role of this variant in disease. Therefore, it has been classified as a Variant of Uncertain Significance. Algorithms developed to predict the effect of missense changes on protein structure and function are either unavailable or do not agree on the potential impact of this missense change (SIFT: "Not Available"; PolyPhen-2: "Probably Damaging"; Align-GVGD: "Not Available"). This variant has not been reported in the literature in individuals affected with USH1G-related conditions. This variant is not present in population databases (gnomAD no frequency). This sequence change replaces alanine, which is neutral and non-polar, with threonine, which is neutral and polar, at codon 8 of the USH1G protein (p.Ala8Thr).